The following is an entry in ClinVar:

ClinVar aggregate classification (germline): Benign/Likely benign. Review status: criteria provided, multiple submitters, no conflicts (2 of 4 stars). 3 submissions from 3 submitters: Benign (1); Likely benign (2). Last evaluated 2024-07-01.

Conditions:
Maturity-onset diabetes of the young type 8 (MODY8). Also called: DIABETES-PANCREATIC EXOCRINE DYSFUNCTION SYNDROME; DIABETES AND PANCREATIC EXOCRINE DYSFUNCTION. Identifiers: Orphanet 552, MedGen C1853297, MONDO:0012348, OMIM 609812.

Allele frequency attached by ClinVar (database versions not stated): gnomAD exomes 0.00026 and 0.00072; ExAC 0.00091; ESP Exome Variant Server 0.00336; 1000 Genomes Project 0.00359; 1000 Genomes Project 30x 0.00375.

Submissions (3):

CeGaT Center for Human Genetics Tuebingen
Classification: Likely benign. Last evaluated: 2024-07-01. Review status: criteria provided, single submitter. Criteria: CeGaT Center For Human Genetics Tuebingen Variant Classification Criteria Version 2. Collection method: clinical testing. Allele origin: germline. Affected: yes. Observed: 1 variant allele.
Comment: CEL: BP4, BS2

Fulgent Genetics
Classification: Benign for Maturity-onset diabetes of the young type 8. Last evaluated: 2021-08-03. Review status: criteria provided, single submitter. Criteria: ACMG Guidelines, 2015. Collection method: clinical testing. Allele origin: unknown.

GeneDx
Classification: Likely benign. Last evaluated: 2019-05-10. Review status: criteria provided, single submitter. Criteria: GeneDx Variant Classification Process June 2021. Collection method: clinical testing. Allele origin: germline. Affected: yes.

NM_001807.6(CEL):c.1485-8C>T

Gene: CEL (carboxyl ester lipase; plus strand). Cytogenetic location: 9q34.13.
Variant type: single nucleotide variant.
Coding change: c.1485-8C>T on transcript NM_001807.6 (MANE Select); 8 bases into the intron before coding-DNA position 1485, C replaced by T.
Molecular consequence: intron variant.
Genome position (GRCh38, 1-based): chr9:133,070,979, C>T. VCF-style: chr9-133070979-C-T. GRCh37 (hg19) VCF-style: chr9-135946366-C-T.
Identifiers: ClinVar variation 1194575 (VCV001194575.20), dbSNP rs185188893, ClinGen allele CA5303413.